The following is an entry in ClinVar:

ClinVar aggregate classification (germline): Pathogenic (1 of 4 stars; one submission).

Submission:

Labcorp Genetics (formerly Invitae), Labcorp
Classification: Pathogenic. Last evaluated: 2024-11-13. Review status: criteria provided, single submitter. Criteria: Invitae Variant Classification Sherloc (09022015). Collection method: clinical testing. Allele origin: germline.
Comment: This sequence change creates a premature translational stop signal (p.Tyr1059*) in the C5 gene. It is expected to result in an absent or disrupted protein product. Loss-of-function variants in C5 are known to be pathogenic (PMID: 7730648, 19414197, 27026170). This variant is not present in population databases (gnomAD no frequency). This variant has not been reported in the literature in individuals affected with C5-related conditions. Algorithms developed to predict the effect of sequence changes on RNA splicing suggest that this variant may disrupt the consensus splice site. For these reasons, this variant has been classified as Pathogenic.

Literature cited by the submitters: PubMed 7730648; PubMed 19414197; PubMed 27026170.

NM_001735.3(C5):c.3177C>A (p.Tyr1059Ter)

Gene: C5 (complement C5; minus strand). Cytogenetic location: 9q33.2.
Variant type: single nucleotide variant.
Coding change: c.3177C>A on transcript NM_001735.3 (MANE Select); coding-DNA position 3177, C replaced by A.
Protein change: p.Tyr1059Ter; replaces tyrosine 1059 with a stop codon.
Molecular consequence: nonsense.
Genome position (GRCh38, 1-based): chr9:120,989,099, G>T on the plus strand (C>A on the coding strand, the complement: C5 is on the minus strand). VCF-style: chr9-120989099-G-T. GRCh37 (hg19) VCF-style: chr9-123751377-G-T.
Other names: c.3195C>A, p.Tyr1065Ter (NM_001317163.2); short protein forms Y1059*, Y1065*.
Identifiers: ClinVar variation 3724723 (VCV003724723.2).